The following is an entry in ClinVar:

NM_021828.5(HPSE2):c.1696G>A (p.Gly566Ser)

Gene: HPSE2 (heparanase 2 (inactive); minus strand). Cytogenetic location: 10q24.2.
Variant type: single nucleotide variant.
Coding change: c.1696G>A on transcript NM_021828.5 (MANE Select); coding-DNA position 1696, G replaced by A.
Protein change: p.Gly566Ser; replaces glycine 566 with serine.
Molecular consequence: missense variant. On other transcripts: 3 prime UTR variant (1).
Genome position (GRCh38, 1-based): chr10:98,459,657, C>T on the plus strand (G>A on the coding strand, the complement: HPSE2 is on the minus strand). VCF-style: chr10-98459657-C-T. GRCh37 (hg19) VCF-style: chr10-100219414-C-T.
Other names: c.1696G>A (NM_021828.4); c.1522G>A, p.Gly508Ser (NM_001166244.1); c.1360G>A, p.Gly454Ser (NM_001166245.1); c.*119G>A (NM_001166246.1); short protein forms G508S, G566S, G454S.
Identifiers: ClinVar variation 1040032 (VCV001040032.9), dbSNP rs577966759, ClinGen allele CA5639591.

ClinVar aggregate classification (germline): Uncertain significance. Review status: criteria provided, multiple submitters, no conflicts (2 of 4 stars). 3 submissions from 3 submitters: Uncertain significance (3). Last evaluated 2024-06-03.

Conditions:
Urofacial syndrome type 1. Also called: HPSE2-Related Urofacial Syndrome. Identifiers: Orphanet 2704, MedGen CN033872, MONDO:0009368, OMIM 236730.
Inborn genetic diseases. Identifiers: MedGen C0950123, MeSH D030342.

Allele frequency attached by ClinVar (database versions not stated): gnomAD 0.00001; TOPMed 0.00003.
gnomAD v4.1: 38 of 1,614,022 alleles (0.0024%); highest among the groups gnomAD compares: Middle Eastern, 0.049%; no homozygotes.

Submissions (3):

Fulgent Genetics
Classification: Uncertain significance for Urofacial syndrome type 1. Last evaluated: 2024-06-03. Review status: criteria provided, single submitter. Criteria: ACMG Guidelines, 2015. Collection method: clinical testing. Allele origin: germline.

Ambry Genetics
Classification: Uncertain significance for Inborn genetic diseases. Last evaluated: 2021-11-08. Review status: criteria provided, single submitter. Criteria: Ambry Variant Classification Scheme 2023. Collection method: clinical testing. Allele origin: germline.

Labcorp Genetics (formerly Invitae), Labcorp
Classification: Uncertain significance. Last evaluated: 2021-01-27. Review status: criteria provided, single submitter. Criteria: Invitae Variant Classification Sherloc (09022015). Collection method: clinical testing. Allele origin: germline.
Comment: Algorithms developed to predict the effect of sequence changes on RNA splicing suggest that this variant may create or strengthen a splice site, but this prediction has not been confirmed by published transcriptional studies. Algorithms developed to predict the effect of missense changes on protein structure and function do not agree on the potential impact of this missense change (SIFT: "Deleterious"; PolyPhen-2: "Probably Damaging"; Align-GVGD: "Class C0"). This variant has not been reported in the literature in individuals with HPSE2-related disease. This variant is present in population databases (rs577966759, ExAC 0.002%). This sequence change replaces glycine with serine at codon 566 of the HPSE2 protein (p.Gly566Ser). The glycine residue is highly conserved and there is a small physicochemical difference between glycine and serine. In summary, the available evidence is currently insufficient to determine the role of this variant in disease. Therefore, it has been classified as a Variant of Uncertain Significance.